The following is an entry in ClinVar:

ClinVar aggregate classification (germline): Benign. Review status: criteria provided, multiple submitters, no conflicts (2 of 4 stars). 7 submissions from 7 submitters: Benign (6). 1 of the submissions does not count toward it. Last evaluated 2026-02-01.

Conditions:
Joubert syndrome 17 (JBTS17). Identifiers: Orphanet 475, MedGen C3553264, MONDO:0013824, OMIM 614615.

Allele frequency attached by ClinVar (database versions not stated): gnomAD exomes 0.00452 and 0.00685; ExAC 0.00790; gnomAD 0.01567 and 0.01626; TOPMed 0.01769; 1000 Genomes Project 0.01777; ESP Exome Variant Server 0.01853; 1000 Genomes Project 30x 0.02030.
gnomAD v4.1: 9,086 of 1,610,988 alleles (0.56%); highest among the groups gnomAD compares: African/African-American, 4.8%; 116 homozygotes.

Submissions (7):

Labcorp Genetics (formerly Invitae), Labcorp
Classification: Benign. Last evaluated: 2026-02-01. Review status: criteria provided, single submitter. Criteria: Invitae Variant Classification Sherloc (09022015). Collection method: clinical testing. Allele origin: germline.

Mayo Clinic Laboratories, Mayo Clinic
Classification: Benign. Last evaluated: 2024-06-14. Review status: criteria provided, single submitter. Criteria: ACMG Guidelines, 2015. Collection method: clinical testing. Allele origin: germline. Observed: 3 variant alleles.
Comment: BA1, BS2

Illumina Laboratory Services, Illumina
Classification: Benign for Joubert syndrome 17. Last evaluated: 2018-01-12. Review status: criteria provided, single submitter. Criteria: ICSL Variant Classification Criteria 13 December 2019. Collection method: clinical testing. Allele origin: germline.
Comment: This variant was observed in the ICSL laboratory as part of a predisposition screen in an ostensibly healthy population. It had not been previously curated by ICSL or reported in the Human Gene Mutation Database (HGMD: prior to June 1st, 2018), and was therefore a candidate for classification through an automated scoring system. Utilizing variant allele frequency, disease prevalence and penetrance estimates, and inheritance mode, an automated score was calculated to assess if this variant is too frequent to cause the disease. Based on the score and internal cut-off values, a variant classified as benign is not then subjected to further curation. The score for this variant resulted in a classification of benign for this disease.

GeneDx
Classification: Benign. Last evaluated: 2016-05-23. Review status: criteria provided, single submitter. Criteria: GeneDx Variant Classification (06012015). Collection method: clinical testing. Allele origin: germline. Affected: yes.
Comment: This variant is considered likely benign or benign based on one or more of the following criteria: it is a conservative change, it occurs at a poorly conserved position in the protein, it is predicted to be benign by multiple in silico algorithms, and/or has population frequency not consistent with disease.

Breakthrough Genomics
Classification: Benign. Review status: criteria provided, single submitter. Criteria: ACMG Guidelines, 2015. Collection method: not provided. Allele origin: germline. Inheritance: Autosomal recessive inheritance. Affected: yes.

PreventionGenetics, part of Exact Sciences
Classification: Benign. Review status: criteria provided, single submitter. Criteria: ACMG Guidelines, 2015. Collection method: clinical testing. Allele origin: germline.

Genetic Services Laboratory, University of Chicago
Classification: Likely benign. Review status: no assertion criteria provided. Collection method: clinical testing. Allele origin: germline. Inheritance: Autosomal recessive inheritance. Not counted in ClinVar's aggregate classification.
Comment: Likely benign based on allele frequency in 1000 Genomes Project or ESP global frequency and its presence in a patient with a rare or unrelated disease phenotype. NOT Sanger confirmed

NM_001384732.1(CPLANE1):c.3795T>A (p.Val1265=)

Gene: CPLANE1 (ciliogenesis and planar polarity effector complex subunit 1; minus strand). Cytogenetic location: 5p13.2.
Variant type: single nucleotide variant.
Coding change: c.3795T>A on transcript NM_001384732.1 (MANE Select); coding-DNA position 3795, T replaced by A.
Protein change: p.Val1265=; no amino-acid change (valine 1265 retained).
Molecular consequence: synonymous variant.
Genome position (GRCh38, 1-based): chr5:37,195,874, A>T on the plus strand (T>A on the coding strand, the complement: CPLANE1 is on the minus strand). VCF-style: chr5-37195874-A-T. GRCh37 (hg19) VCF-style: chr5-37195976-A-T.
Other names: p.Val1265=; c.3795T>A, p.Val1265= (NM_023073.4).
Identifiers: ClinVar variation 158033 (VCV000158033.22), dbSNP rs74478954, ClinGen allele CA171432.